The following is an entry in ClinVar:

NM_000540.3(RYR1):c.5670_5720dup (p.Glu1907_Lys1908insGluLysGluGluAspGluGluGluThrAlaGlnGluLysGluAspGluGlu)

Gene: RYR1 (ryanodine receptor 1; plus strand). Cytogenetic location: 19q13.2.
Variant type: Duplication.
Coding change: c.5670_5720dup on transcript NM_000540.3 (MANE Select); coding-DNA positions 5670 to 5720, 51 bases duplicated.
Protein change: p.Glu1907_Lys1908insGluLysGluGluAspGluGluGluThrAlaGlnGluLysGluAspGluGlu.
Molecular consequence: inframe insertion.
Genome position (GRCh38, 1-based): chr19:38,489,299-38,489,349, 51 bases duplicated. GRCh37 (hg19): chr19:38,979,939-38,979,989.
Other names: c.5670_5720dup, p.Glu1907_Lys1908insGluLysGluGluAspGluGluGluThrAlaGlnGluLysGluAspGluGlu (NM_001042723.2); c.5670_5720dup51 (NM_000540.2).
Identifiers: ClinVar variation 3012784 (VCV003012784.4), dbSNP rs2514246024, ClinGen allele CA2584898213.

ClinVar aggregate classification (germline): Uncertain significance. Review status: criteria provided, single submitter (1 of 4 stars). 2 submissions from 2 submitters: Uncertain significance (1). 1 of the submissions does not count toward it. Last evaluated 2023-04-26.

Conditions:
RYR1-related disorder. Also called: RYR1-related condition; RYR1-related disorders. Identifiers: MedGen CN239331.

Submissions (2):

Labcorp Genetics (formerly Invitae), Labcorp
Classification: Uncertain significance for RYR1-related disorder. Last evaluated: 2023-04-26. Review status: criteria provided, single submitter. Criteria: Invitae Variant Classification Sherloc (09022015). Collection method: clinical testing. Allele origin: germline.
Comment: In summary, the available evidence is currently insufficient to determine the role of this variant in disease. Therefore, it has been classified as a Variant of Uncertain Significance. Experimental studies and prediction algorithms are not available or were not evaluated, and the functional significance of this variant is currently unknown. This variant has not been reported in the literature in individuals affected with RYR1-related conditions. This variant is not present in population databases (gnomAD no frequency). This variant, c.5670_5720dup, results in the insertion of 17 amino acid(s) of the RYR1 protein (p.Glu1891_Glu1907dup), but otherwise preserves the integrity of the reading frame.

PreventionGenetics, part of Exact Sciences
Classification: Uncertain significance for RYR1-related condition. Last evaluated: 2024-05-31. Review status: no assertion criteria provided. Collection method: clinical testing. Allele origin: germline. Not counted in ClinVar's aggregate classification.
Comment: The RYR1 c.5670_5720dup51 variant is predicted to result in an in-frame duplication (p.Glu1891_Glu1907dup). To our knowledge, this variant has not been reported in the literature or in a large population database, indicating this variant is rare. At this time, the clinical significance of this variant is uncertain due to the absence of conclusive functional and genetic evidence.